The following is an entry in ClinVar:

ClinVar aggregate classification (germline): Likely benign. Review status: criteria provided, multiple submitters, no conflicts (2 of 4 stars). 3 submissions from 3 submitters: Likely benign (2). 1 of the submissions does not count toward it. Last evaluated 2023-07-01.

Conditions:
ARHGEF28-related disorder. Also called: ARHGEF28-related condition.

Allele frequency attached by ClinVar (database versions not stated): 1000 Genomes Project 0.00020; 1000 Genomes Project 30x 0.00031; TOPMed 0.00057; gnomAD 0.00060; ExAC 0.00080; gnomAD exomes 0.00098; ESP Exome Variant Server 0.00101.
gnomAD v4.1: 1,524 of 1,568,254 alleles (0.097%); highest among the groups gnomAD compares: Non-Finnish European, 0.11%; 3 homozygotes.

Submissions (3):

CeGaT Center for Human Genetics Tuebingen
Classification: Likely benign. Last evaluated: 2023-07-01. Review status: criteria provided, single submitter. Criteria: CeGaT Center For Human Genetics Tuebingen Variant Classification Criteria Version 2. Collection method: clinical testing. Allele origin: germline. Affected: yes. Observed: 2 variant alleles.
Comment: ARHGEF28: BP4

Ambry Genetics
Classification: Likely benign. Last evaluated: 2022-03-29. Review status: criteria provided, single submitter. Criteria: Ambry Variant Classification Scheme 2023. Collection method: clinical testing. Allele origin: germline.

PreventionGenetics, part of Exact Sciences
Classification: Likely benign for ARHGEF28-related condition. Last evaluated: 2021-11-03. Review status: no assertion criteria provided. Collection method: clinical testing. Allele origin: germline. Not counted in ClinVar's aggregate classification.
Comment: This variant is classified as likely benign based on ACMG/AMP sequence variant interpretation guidelines (Richards et al. 2015 PMID: 25741868, with internal and published modifications).

NM_001177693.2(ARHGEF28):c.1725A>T (p.Leu575Phe)

Gene: ARHGEF28 (Rho guanine nucleotide exchange factor 28; plus strand). Cytogenetic location: 5q13.2.
Variant type: single nucleotide variant.
Coding change: c.1725A>T on transcript NM_001177693.2 (MANE Select); coding-DNA position 1725, A replaced by T.
Protein change: p.Leu575Phe; replaces leucine 575 with phenylalanine.
Molecular consequence: missense variant.
Genome position (GRCh38, 1-based): chr5:73,849,065, A>T. VCF-style: chr5-73849065-A-T. GRCh37 (hg19) VCF-style: chr5-73144890-A-T.
Other names: c.1725A>T, p.Leu575Phe (NM_001080479.3, NM_001388078.1); c.786A>T, p.Leu262Phe (NM_001244364.2); c.1431A>T, p.Leu477Phe (NM_001388076.1); short protein forms L477F, L262F, L575F.
Identifiers: ClinVar variation 2350635 (VCV002350635.27), dbSNP rs202147794, ClinGen allele CA3304609.